The following is an entry in ClinVar:

ClinVar aggregate classification (germline): Likely pathogenic. Review status: criteria provided, multiple submitters, no conflicts (2 of 4 stars). 2 submissions from 2 submitters: Likely pathogenic (2). Last evaluated 2023-05-17.

Conditions:
NOTCH3-related disorder. Also called: NOTCH3-related condition; NOTCH3-related disorders.

Submissions (2):

Blueprint Genetics
Classification: Likely pathogenic for NOTCH3-related disorders. Last evaluated: 2023-05-17. Review status: criteria provided, single submitter. Criteria: ACMG Guidelines, 2015. Collection method: clinical testing. Allele origin: germline. Affected: yes. Observed: 1 variant allele.

Mayo Clinic Laboratories, Mayo Clinic
Classification: Likely pathogenic. Last evaluated: 2023-04-04. Review status: criteria provided, single submitter. Criteria: ACMG Guidelines, 2015. Collection method: clinical testing. Allele origin: germline. Observed: 1 variant allele.
Comment: PP2, PP3, PM1, PM2, PM5

NM_000435.3(NOTCH3):c.484T>G (p.Cys162Gly)

Gene: NOTCH3 (notch receptor 3; minus strand). Cytogenetic location: 19p13.12.
Variant type: single nucleotide variant.
Coding change: c.484T>G on transcript NM_000435.3 (MANE Select); coding-DNA position 484, T replaced by G.
Protein change: p.Cys162Gly; replaces cysteine 162 with glycine.
Molecular consequence: missense variant.
Genome position (GRCh38, 1-based): chr19:15,192,155, A>C on the plus strand (T>G on the coding strand, the complement: NOTCH3 is on the minus strand). VCF-style: chr19-15192155-A-C. GRCh37 (hg19) VCF-style: chr19-15302966-A-C.
Other names: p.Cys162Gly; short protein forms C162G.
Identifiers: ClinVar variation 2683096 (VCV002683096.2), dbSNP rs2145441998, ClinGen allele CA404533867.